The following is an entry in ClinVar:

NM_018979.4(WNK1):c.6230G>A (p.Arg2077Gln)

Gene: WNK1 (WNK lysine deficient protein kinase 1; plus strand). Cytogenetic location: 12p13.33.
Variant type: single nucleotide variant.
Coding change: c.6230G>A on transcript NM_018979.4 (MANE Select); coding-DNA position 6230, G replaced by A.
Protein change: p.Arg2077Gln; replaces arginine 2077 with glutamine.
Molecular consequence: missense variant.
Genome position (GRCh38, 1-based): chr12:896,717, G>A. VCF-style: chr12-896717-G-A. GRCh37 (hg19) VCF-style: chr12-1005883-G-A.
Other names: c.7010G>A, p.Arg2337Gln (NM_001184985.2); c.5486G>A, p.Arg1829Gln (NM_014823.3); c.6986G>A, p.Arg2329Gln (NM_213655.5); short protein forms R2329Q, R1829Q, R2077Q, R2337Q.
Identifiers: ClinVar variation 1395047 (VCV001395047.9), dbSNP rs771385000, ClinGen allele CA6383354.

ClinVar aggregate classification (germline): Uncertain significance. Review status: criteria provided, multiple submitters, no conflicts (2 of 4 stars). 3 submissions from 3 submitters: Uncertain significance (3). Last evaluated 2025-09-02.

Conditions:
Neuropathy, hereditary sensory and autonomic, type 2A (HSAN2A). Also called: ACROOSTEOLYSIS, GIACCAI TYPE; ACROOSTEOLYSIS, NEUROGENIC; MORVAN DISEASE; NEUROPATHY, CONGENITAL SENSORY; NEUROPATHY, HEREDITARY SENSORY RADICULAR, AUTOSOMAL RECESSIVE; NEUROPATHY, HEREDITARY SENSORY, TYPE IIA. Identifiers: Orphanet 970, MedGen C2752089, MONDO:0024309, OMIM 201300.
Pseudohypoaldosteronism type 2C (PHA2C). Also called: Pseudohypoaldosteronism Type IIC. Identifiers: Orphanet 757, Orphanet 88940, MedGen C1840391, MONDO:0013778, OMIM 614492.
Inborn genetic diseases. Identifiers: MedGen C0950123, MeSH D030342.

Allele frequency attached by ClinVar (database versions not stated): ExAC 0.00001; gnomAD exomes 0.00001; gnomAD 0.00002.
gnomAD v4.1: 11 of 1,607,080 alleles (0.00068%); highest among the groups gnomAD compares: Middle Eastern, 0.016%; no homozygotes.

Submissions (3):

Labcorp Genetics (formerly Invitae), Labcorp
Classification: Uncertain significance for Neuropathy, hereditary sensory and autonomic, type 2A; Pseudohypoaldosteronism type 2C. Last evaluated: 2025-09-02. Review status: criteria provided, single submitter. Criteria: Invitae Variant Classification Sherloc (09022015). Collection method: clinical testing. Allele origin: germline.
Comment: This sequence change replaces arginine, which is basic and polar, with glutamine, which is neutral and polar, at codon 2329 of the WNK1 protein (p.Arg2329Gln). This variant is present in population databases (rs771385000, gnomAD 0.007%). This variant has not been reported in the literature in individuals affected with WNK1-related conditions. ClinVar contains an entry for this variant (Variation ID: 1395047). Invitae Evidence Modeling of protein sequence and biophysical properties (such as structural, functional, and spatial information, amino acid conservation, physicochemical variation, residue mobility, and thermodynamic stability) indicates that this missense variant is not expected to disrupt WNK1 protein function with a negative predictive value of 95%. In summary, the available evidence is currently insufficient to determine the role of this variant in disease. Therefore, it has been classified as a Variant of Uncertain Significance.

Fulgent Genetics
Classification: Uncertain significance for Neuropathy, hereditary sensory and autonomic, type 2A; Pseudohypoaldosteronism type 2C. Last evaluated: 2022-03-22. Review status: criteria provided, single submitter. Criteria: ACMG Guidelines, 2015. Collection method: clinical testing. Allele origin: unknown.

Ambry Genetics
Classification: Uncertain significance for Inborn genetic diseases. Last evaluated: 2021-02-02. Review status: criteria provided, single submitter. Criteria: Ambry Variant Classification Scheme 2023. Collection method: clinical testing. Allele origin: germline.
Comment: The p.R2329Q variant (also known as c.6986G>A), located in coding exon 24 of the WNK1 gene, results from a G to A substitution at nucleotide position 6986. The arginine at codon 2329 is replaced by glutamine, an amino acid with highly similar properties. This amino acid position is well conserved in available vertebrate species. In addition, the in silico prediction for this alteration is inconclusive. Since supporting evidence is limited at this time, the clinical significance of this alteration remains unclear.